The following is an entry in ClinVar:

ClinVar aggregate classification (germline): Uncertain significance (1 of 4 stars; one submission).

Allele frequency attached by ClinVar (database versions not stated): gnomAD exomes below 0.00001.
gnomAD v4.1: 4 of 1,418,394 alleles (0.00028%); highest among the groups gnomAD compares: Non-Finnish European, 0.00037%; no homozygotes.

Submission:

Women's Health and Genetics/Laboratory Corporation of America, LabCorp
Classification: Uncertain significance. Last evaluated: 2023-12-11. Review status: criteria provided, single submitter. Criteria: LabCorp Variant Classification Summary - May 2015. Collection method: clinical testing. Allele origin: germline.
Comment: Variant summary: KIF2A c.1031G>A (p.Arg344Gln) results in a conservative amino acid change located in the Kinesin motor domain (IPR001752) of the encoded protein sequence. Four of five in-silico tools predict a benign effect of the variant on protein function. The variant allele was found at a frequency of 3.2e-06 in 1266628 control chromosomes. The available data on variant occurrences in the general population are insufficient to allow any conclusion about variant significance. To our knowledge, no occurrence of c.1031G>A in individuals affected with Complex Cortical Dysplasia With Other Brain Malformations 3 and no experimental evidence demonstrating its impact on protein function have been reported. No submitters have cited clinical-significance assessments for this variant to ClinVar after 2014. Based on the evidence outlined above, the variant was classified as uncertain significance.

NM_001098511.3(KIF2A):c.1031G>A (p.Arg344Gln)

Gene: KIF2A (kinesin family member 2A; plus strand). Cytogenetic location: 5q12.1.
Variant type: single nucleotide variant.
Coding change: c.1031G>A on transcript NM_001098511.3 (MANE Select); coding-DNA position 1031, G replaced by A.
Protein change: p.Arg344Gln; replaces arginine 344 with glutamine.
Molecular consequence: missense variant.
Genome position (GRCh38, 1-based): chr5:62,362,453, G>A. VCF-style: chr5-62362453-G-A. GRCh37 (hg19) VCF-style: chr5-61658280-G-A.
Other names: c.950G>A, p.Arg317Gln (NM_001243952.2); c.974G>A, p.Arg325Gln (NM_001243953.2); c.1031G>A, p.Arg344Gln (NM_004520.5); short protein forms R317Q, R325Q, R344Q.
Identifiers: ClinVar variation 2691585 (VCV002691585.1), dbSNP rs868477495, ClinGen allele CA359950638.